The following is an entry in ClinVar:

NM_001281956.2(CSMD2):c.4518G>T (p.Pro1506=)

Gene: CSMD2 (CUB and Sushi multiple domains 2; minus strand). Cytogenetic location: 1p35.1.
Variant type: single nucleotide variant.
Coding change: c.4518G>T on transcript NM_001281956.2 (MANE Select); coding-DNA position 4518, G replaced by T.
Protein change: p.Pro1506=; no amino-acid change (proline 1506 retained).
Molecular consequence: synonymous variant.
Genome position (GRCh38, 1-based): chr1:33,652,391, C>A on the plus strand (G>T on the coding strand, the complement: CSMD2 is on the minus strand). VCF-style: chr1-33652391-C-A. GRCh37 (hg19) VCF-style: chr1-34117991-C-A.
Other names: c.4398G>T, p.Pro1466= (NM_052896.5).
Identifiers: ClinVar variation 2638629 (VCV002638629.25), dbSNP rs747379869, ClinGen allele CA752193.

ClinVar aggregate classification (germline): Likely benign. Review status: criteria provided, multiple submitters, no conflicts (2 of 4 stars). 2 submissions from 2 submitters: Likely benign (2). Last evaluated 2022-12-01.

Allele frequency attached by ClinVar (database versions not stated): ExAC 0.00010.
gnomAD v4.1: 159 of 1,614,002 alleles (0.0099%); highest among the groups gnomAD compares: Middle Eastern, 0.12%; no homozygotes.

Submissions (2):

CeGaT Center for Human Genetics Tuebingen
Classification: Likely benign. Last evaluated: 2022-12-01. Review status: criteria provided, single submitter. Criteria: CeGaT Center For Human Genetics Tuebingen Variant Classification Criteria Version 2. Collection method: clinical testing. Allele origin: germline. Affected: yes. Observed: 2 variant alleles.
Comment: CSMD2: BP4, BP7

Breakthrough Genomics
Classification: Likely benign. Review status: criteria provided, single submitter. Criteria: ACMG Guidelines, 2015. Collection method: not provided. Allele origin: germline. Inheritance: Unknown mechanism. Affected: yes.